The following is an entry in ClinVar:

NM_017654.4(SAMD9):c.283G>A (p.Ala95Thr)

Gene: SAMD9 (sterile alpha motif domain containing 9; minus strand). Cytogenetic location: 7q21.2.
Variant type: single nucleotide variant.
Coding change: c.283G>A on transcript NM_017654.4 (MANE Select); coding-DNA position 283, G replaced by A.
Protein change: p.Ala95Thr; replaces alanine 95 with threonine.
Molecular consequence: missense variant.
Genome position (GRCh38, 1-based): chr7:93,105,815, C>T on the plus strand (G>A on the coding strand, the complement: SAMD9 is on the minus strand). VCF-style: chr7-93105815-C-T. GRCh37 (hg19) VCF-style: chr7-92735128-C-T.
Other names: c.283G>A, p.Ala95Thr (NM_001193307.2); short protein forms A95T.
Identifiers: ClinVar variation 3949732 (VCV003949732.1).
Genomic context (GRCh38, chr7:93,105,815, plus strand): 5'-TTTGTTTTTGCTTTGAAGTTTCTCTACGTTCCTTTTGAGACACAGTTTGGTCTTTAGGAG[C>T]ATTTTTACTGGGCTTTCCCATCTTAGATGTCTGAATCGAATCTTCAATGGCTGTTTTCCG-3'
Protein context (NP_060124.2, residues 85-105): TSKMGKPSKN[Ala95Thr]PKDQTVSQKE

ClinVar aggregate classification (germline): Uncertain significance (1 of 4 stars; one submission).

Conditions:
Inborn genetic diseases. Identifiers: MedGen C0950123, MeSH D030342.

Submission:

Ambry Genetics
Classification: Uncertain significance for Inborn genetic diseases. Last evaluated: 2025-06-13. Review status: criteria provided, single submitter. Criteria: Ambry Variant Classification Scheme 2023. Collection method: clinical testing. Allele origin: germline.
Comment: The p.A95T variant (also known as c.283G>A), located in coding exon 1 of the SAMD9 gene, results from a G to A substitution at nucleotide position 283. The alanine at codon 95 is replaced by threonine, an amino acid with similar properties. This amino acid position is conserved. In addition, this alteration is predicted to be tolerated by in silico analysis. Based on the available evidence, the clinical significance of this variant remains unclear.